The following is an entry in ClinVar:

NM_018082.6(POLR3B):c.3245A>C (p.Gln1082Pro)

Genes: POLR3B (RNA polymerase III subunit B; plus strand), RFX4-AS1 (RFX4 antisense RNA 1; minus strand). Cytogenetic location: 12q23.3.
Variant type: single nucleotide variant.
Coding change: c.3245A>C on transcript NM_018082.6 (MANE Select); coding-DNA position 3245, A replaced by C.
Protein change: p.Gln1082Pro; replaces glutamine 1082 with proline.
Molecular consequence: missense variant.
Genome position (GRCh38, 1-based): chr12:106,504,227, A>C. VCF-style: chr12-106504227-A-C. GRCh37 (hg19) VCF-style: chr12-106898005-A-C.
Other names: c.3071A>C, p.Gln1024Pro (NM_001160708.2); short protein forms Q1024P, Q1082P.
Identifiers: ClinVar variation 4744921 (VCV004744921.1).

ClinVar aggregate classification (germline): Uncertain significance (1 of 4 stars; one submission).

Submission:

Labcorp Genetics (formerly Invitae), Labcorp
Classification: Uncertain significance. Last evaluated: 2025-10-23. Review status: criteria provided, single submitter. Criteria: Invitae Variant Classification Sherloc (09022015). Collection method: clinical testing. Allele origin: germline.
Comment: This sequence change replaces glutamine, which is neutral and polar, with proline, which is neutral and non-polar, at codon 1082 of the POLR3B protein (p.Gln1082Pro). This variant is not present in population databases (gnomAD no frequency). This variant has not been reported in the literature in individuals affected with POLR3B-related conditions. Invitae Evidence Modeling of protein sequence and biophysical properties (such as structural, functional, and spatial information, amino acid conservation, physicochemical variation, residue mobility, and thermodynamic stability) indicates that this missense variant is not expected to disrupt POLR3B protein function with a negative predictive value of 80%. In summary, the available evidence is currently insufficient to determine the role of this variant in disease. Therefore, it has been classified as a Variant of Uncertain Significance.